The following is an entry in ClinVar:

NM_014712.3(SETD1A):c.853T>G (p.Ser285Ala)

Gene: SETD1A (SET domain containing 1A, histone lysine methyltransferase; plus strand). Cytogenetic location: 16p11.2.
Variant type: single nucleotide variant.
Coding change: c.853T>G on transcript NM_014712.3 (MANE Select); coding-DNA position 853, T replaced by G.
Protein change: p.Ser285Ala; replaces serine 285 with alanine.
Molecular consequence: missense variant.
Genome position (GRCh38, 1-based): chr16:30,964,307, T>G. VCF-style: chr16-30964307-T-G. GRCh37 (hg19) VCF-style: chr16-30975628-T-G.
Other names: short protein forms S285A.
Identifiers: ClinVar variation 3602458 (VCV003602458.1).

ClinVar aggregate classification (germline): Uncertain significance (1 of 4 stars; one submission).

Submission:

GeneDx
Classification: Uncertain significance. Last evaluated: 2024-07-29. Review status: criteria provided, single submitter. Criteria: GeneDx Variant Classification Process June 2021. Collection method: clinical testing. Allele origin: germline. Affected: yes.
Comment: In silico analysis indicates that this missense variant does not alter protein structure/function; Has not been previously published as pathogenic or benign to our knowledge